The following is an entry in ClinVar:

NM_001283009.2(RTEL1):c.3138G>A (p.Gly1046=)

Genes: RTEL1 (regulator of telomere elongation helicase 1; plus strand), RTEL1-TNFRSF6B (RTEL1-TNFRSF6B readthrough (NMD candidate); plus strand). Cytogenetic location: 20q13.33.
Variant type: single nucleotide variant.
Coding change: c.3138G>A on transcript NM_001283009.2 (MANE Select); coding-DNA position 3138, G replaced by A.
Protein change: p.Gly1046=; no amino-acid change (glycine 1046 retained).
Molecular consequence: synonymous variant. On other transcripts: non-coding transcript variant (1).
Genome position (GRCh38, 1-based): chr20:63,694,769, G>A. VCF-style: chr20-63694769-G-A. GRCh37 (hg19) VCF-style: chr20-62326122-G-A.
Other names: c.2469G>A, p.Gly823= (NM_001283010.1); c.3138G>A, p.Gly1046= (NM_016434.4); c.3210G>A, p.Gly1070= (NM_032957.5); c.3210G>A (NM_032957.4).
Identifiers: ClinVar variation 753716 (VCV000753716.16), dbSNP rs762571471, ClinGen allele CA9965886.
Genomic context (GRCh38, chr20:63,694,769, plus strand): 5'-CGCCACTCTGAGCCATGCTACTCCCACACCAGGAGACCCTGGCAGCCAACCACAGTGGGG[G>A]TCTGGAGTGCCCAGAGCAGGGAAGCAGGGCCAGCACGCCGTGAGCGCCTACCTGGCTGAT-3'
Protein context (NP_001269938.1, residues 1036-1056): TGDPGSQPQW[Gly1046=]SGVPRAGKQG

ClinVar aggregate classification (germline): Likely benign. Review status: criteria provided, multiple submitters, no conflicts (2 of 4 stars). 7 submissions from 7 submitters: Likely benign (5). 2 of the submissions do not count toward it. Last evaluated 2025-09-03.

Conditions:
Pulmonary fibrosis and/or bone marrow failure, Telomere-related, 3. Also called: PULMONARY FIBROSIS AND/OR BONE MARROW FAILURE SYNDROME, TELOMERE-RELATED, 3. Identifiers: Orphanet 2032, MedGen C4225346, MONDO:0014613, OMIM 616373.
Dyskeratosis congenita, autosomal recessive 5 (DKCB5). Identifiers: MedGen C3554656, MONDO:0014076, OMIM 615190.
RTEL1-related disorder. Also called: RTEL1-related disorders; RTEL1-related condition.
Inborn genetic diseases. Identifiers: MedGen C0950123, MeSH D030342.
Dyskeratosis congenita. Identifiers: Orphanet 1775, MedGen C0265965, MONDO:0015780.

Allele frequency attached by ClinVar (database versions not stated): gnomAD 0.00001; TOPMed 0.00001.
gnomAD v4.1: 22 of 1,610,498 alleles (0.0014%); highest among the groups gnomAD compares: Non-Finnish European, 0.0019%; 1 homozygote.

Submissions (7):

Labcorp Genetics (formerly Invitae), Labcorp
Classification: Likely benign for Dyskeratosis congenita, autosomal recessive 5; Pulmonary fibrosis and/or bone marrow failure, Telomere-related, 3. Last evaluated: 2025-09-03. Review status: criteria provided, single submitter. Criteria: Invitae Variant Classification Sherloc (09022015). Collection method: clinical testing. Allele origin: germline.

Women's Health and Genetics/Laboratory Corporation of America, LabCorp
Classification: Likely benign. Last evaluated: 2025-05-19. Review status: criteria provided, single submitter. Criteria: LabCorp Variant Classification Summary - May 2015. Collection method: clinical testing. Allele origin: germline.

Ambry Genetics
Classification: Likely benign for Inborn genetic diseases. Last evaluated: 2024-11-27. Review status: criteria provided, single submitter. Criteria: Ambry Variant Classification Scheme 2023. Collection method: clinical testing. Allele origin: germline.

Blueprint Genetics
Classification: Likely benign. Last evaluated: 2024-11-21. Review status: criteria provided, single submitter. Criteria: ACMG Guidelines, 2015. Collection method: clinical testing. Allele origin: germline.

Breakthrough Genomics
Classification: Likely benign. Review status: criteria provided, single submitter. Criteria: ACMG Guidelines, 2015. Collection method: not provided. Allele origin: germline. Inheritance: Autosomal recessive inheritance. Affected: yes.

PreventionGenetics, part of Exact Sciences
Classification: Likely benign for RTEL1-related condition. Last evaluated: 2024-03-14. Review status: no assertion criteria provided. Collection method: clinical testing. Allele origin: germline. Not counted in ClinVar's aggregate classification.
Comment: This variant is classified as likely benign based on ACMG/AMP sequence variant interpretation guidelines (Richards et al. 2015 PMID: 25741868, with internal and published modifications).

Natera, Inc.
Classification: Likely benign for Dyskeratosis congenita. Last evaluated: 2020-10-30. Review status: no assertion criteria provided. Collection method: clinical testing. Allele origin: germline. Not counted in ClinVar's aggregate classification.